The following is an entry in ClinVar:

ClinVar aggregate classification (germline): Uncertain significance (1 of 4 stars; one submission).

Allele frequency attached by ClinVar (database versions not stated): gnomAD exomes below 0.00001; TOPMed below 0.00001.
gnomAD v4.1: 1 of 1,613,892 alleles (0.000062%); highest among the groups gnomAD compares: African/African-American, 0.0013%; no homozygotes.

Submission:

GeneDx
Classification: Uncertain significance. Last evaluated: 2016-11-18. Review status: criteria provided, single submitter. Criteria: GeneDx Variant Classification (06012015). Collection method: clinical testing. Allele origin: germline. Affected: yes.
Comment: A variant of uncertain significance has been identified in the ALMS1 gene. The K2276R variant has not been published as a pathogenic variant, nor has it been reported as a benign variant to our knowledge. This variant was not observed in approximately 5,900 individuals of European and African American ancestry in the NHLBI Exome Sequencing Project, indicating it is not a common benign variant in these populations. However, the K2276R variant is a conservative amino acid substitution, which is not likely to impact secondary protein structure as these residues share similar properties. This substitution occurs at a position that is not conserved across species and where Arginine is the wild type in several species. Finally, in silico analysis suggests that this variant likely does not alter the protein structure/function.Therefore, based on the currently available information, it is unclear whether this variant is pathogenic or rare benign.

NM_001378454.1(ALMS1):c.6824A>G (p.Lys2275Arg)

Gene: ALMS1 (ALMS1 centrosome and basal body associated protein; plus strand). Cytogenetic location: 2p13.1.
Variant type: single nucleotide variant.
Coding change: c.6824A>G on transcript NM_001378454.1 (MANE Select); coding-DNA position 6824, A replaced by G.
Protein change: p.Lys2275Arg; replaces lysine 2275 with arginine.
Molecular consequence: missense variant.
Genome position (GRCh38, 1-based): chr2:73,453,351, A>G. VCF-style: chr2-73453351-A-G. GRCh37 (hg19) VCF-style: chr2-73680478-A-G.
Other names: c.6827A>G, p.Lys2276Arg (NM_015120.4); short protein forms K2276R, K2275R.
Identifiers: ClinVar variation 373255 (VCV000373255.1), dbSNP rs1057518307, ClinGen allele CA16042441.